The following is an entry in ClinVar:

ClinVar aggregate classification (germline): Conflicting classifications of pathogenicity. Review status: criteria provided, conflicting classifications (1 of 4 stars). 3 submissions from 3 submitters: Uncertain significance (1); Likely benign (1). 1 of the submissions does not count toward it. Last evaluated 2022-07-31.

Conditions:
Neuronal ceroid lipofuscinosis 1 (CLN1). Also called: PPT1-Related Neuronal Ceroid-Lipofuscinosis; CEROID LIPOFUSCINOSIS, NEURONAL, 1, VARIABLE AGE AT ONSET. Identifiers: Orphanet 228329, MedGen C1850451, MONDO:0009744, OMIM 256730.

Allele frequency attached by ClinVar (database versions not stated): gnomAD exomes 0.00002 and 0.00005; ExAC 0.00004; 1000 Genomes Project 30x 0.00016; 1000 Genomes Project 0.00020.
gnomAD v4.1: 28 of 1,613,914 alleles (0.0017%); highest among the groups gnomAD compares: South Asian, 0.015%; no homozygotes.

Submissions (3):

Labcorp Genetics (formerly Invitae), Labcorp
Classification: Uncertain significance for Neuronal ceroid lipofuscinosis 1. Last evaluated: 2022-07-31. Review status: criteria provided, single submitter. Criteria: Invitae Variant Classification Sherloc (09022015). Collection method: clinical testing. Allele origin: germline.
Comment: This sequence change falls in intron 3 of the PPT1 gene. It does not directly change the encoded amino acid sequence of the PPT1 protein. It affects a nucleotide within the consensus splice site. This variant is present in population databases (rs534592472, gnomAD 0.02%). This variant has not been reported in the literature in individuals affected with PPT1-related conditions. ClinVar contains an entry for this variant (Variation ID: 533953). Variants that disrupt the consensus splice site are a relatively common cause of aberrant splicing (PMID: 17576681, 9536098). Algorithms developed to predict the effect of sequence changes on RNA splicing suggest that this variant is not likely to affect RNA splicing. In summary, the available evidence is currently insufficient to determine the role of this variant in disease. Therefore, it has been classified as a Variant of Uncertain Significance.

CeGaT Center for Human Genetics Tuebingen
Classification: Likely benign. Last evaluated: 2022-06-01. Review status: criteria provided, single submitter. Criteria: CeGaT Center For Human Genetics Tuebingen Variant Classification Criteria Version 2. Collection method: clinical testing. Allele origin: germline. Affected: yes. Observed: 1 variant allele.
Comment: PPT1: BP4

Natera, Inc.
Classification: Uncertain significance for Neuronal ceroid lipofuscinosis 1. Last evaluated: 2020-12-28. Review status: no assertion criteria provided. Collection method: clinical testing. Allele origin: germline. Not counted in ClinVar's aggregate classification.

Literature cited by the submitters: PubMed 17576681 (cited by Labcorp Genetics (formerly Invitae), Labcorp); PubMed 9536098 (cited by Labcorp Genetics (formerly Invitae), Labcorp).

NM_000310.4(PPT1):c.362+4C>T

Gene: PPT1 (palmitoyl-protein thioesterase 1; minus strand). Cytogenetic location: 1p34.2.
Variant type: single nucleotide variant.
Coding change: c.362+4C>T on transcript NM_000310.4 (MANE Select); 4 bases into the intron after coding-DNA position 362, C replaced by T.
Molecular consequence: intron variant.
Genome position (GRCh38, 1-based): chr1:40,092,041, G>A on the plus strand (C>T on the coding strand, the complement: PPT1 is on the minus strand). VCF-style: chr1-40092041-G-A. GRCh37 (hg19) VCF-style: chr1-40557713-G-A.
Other names: c.125-2529C>T (NM_001142604.2); c.362+4C>T (NM_001363695.2).
Identifiers: ClinVar variation 533953 (VCV000533953.30), dbSNP rs534592472, ClinGen allele CA789738.
Genomic context (GRCh38, chr1:40,092,041, plus strand): 5'-TCTGAATAAAAGAAACAAAAATCAATTCCATATAAGTGGTACAATATAACAAAAAGGAAC[G>A]TACAGAAATTGGCCTCCCTGGGAGAATCCCATAGCATTGTAGCCTTGCTGCAATTTAGGA-3'